The following is an entry in ClinVar:

ClinVar aggregate classification (germline): Pathogenic (1 of 4 stars; one submission).

Allele frequency attached by ClinVar (database versions not stated): gnomAD exomes below 0.00001; TOPMed below 0.00001.
gnomAD v4.1: 1 of 1,614,094 alleles (0.000062%); highest among the groups gnomAD compares: Admixed American, 0.0017%; no homozygotes.

Submission:

GeneDx
Classification: Pathogenic. Last evaluated: 2018-03-21. Review status: criteria provided, single submitter. Criteria: GeneDx Variant Classification (06012015). Collection method: clinical testing. Allele origin: germline. Affected: yes.
Comment: The W1744X pathogenic variant in the ABCA12 gene has been reported previously in association with Harlequin Ichthyosis (Thomas et al., 2006). This pathogenic variant is predicted to cause loss of normal protein function either through protein truncation or nonsense-mediated mRNA decay. The W1744X variant is not observed in large population cohorts (Lek et al., 2016).

NM_173076.3(ABCA12):c.5231G>A (p.Trp1744Ter)

Gene: ABCA12 (ATP binding cassette subfamily A member 12; minus strand). Cytogenetic location: 2q35.
Variant type: single nucleotide variant.
Coding change: c.5231G>A on transcript NM_173076.3 (MANE Select); coding-DNA position 5231, G replaced by A.
Protein change: p.Trp1744Ter; replaces tryptophan 1744 with a stop codon.
Molecular consequence: nonsense. On other transcripts: non-coding transcript variant (1).
Genome position (GRCh38, 1-based): chr2:214,975,935, C>T on the plus strand (G>A on the coding strand, the complement: ABCA12 is on the minus strand). VCF-style: chr2-214975935-C-T. GRCh37 (hg19) VCF-style: chr2-215840659-C-T.
Other names: c.4277G>A, p.Trp1426Ter (NM_015657.4); short protein forms W1744*, W1426*.
Identifiers: ClinVar variation 523765 (VCV000523765.2), dbSNP rs1553523093, ClinGen allele CA350458209.
Genomic context (GRCh38, chr2:214,975,935, plus strand): 5'-AGGCCCATGGCAGTGGTAACAAAGACGATGGGGAGGATAACCTGAGCAATGAGACCTTTC[C>T]AGTTCCTGCGGGTGTGGTGGAACCTCTTGATGAGTATAGCCATGATCTTCTTCAGCAACA-3'